The following is an entry in ClinVar:

ClinVar aggregate classification (germline): Uncertain significance. Review status: criteria provided, multiple submitters, no conflicts (2 of 4 stars). 2 submissions from 2 submitters: Uncertain significance (2). Last evaluated 2022-10-25.

Conditions:
Treacher Collins syndrome 1 (TCS1). Also called: TCOF1-Related Treacher Collins Syndrome. Identifiers: Orphanet 861, MedGen CN315775, MONDO:0007944, OMIM 154500.

gnomAD v4.1: 9 of 1,596,392 alleles (0.00056%); highest among the groups gnomAD compares: Middle Eastern, 0.017%; no homozygotes.

Submissions (2):

Labcorp Genetics (formerly Invitae), Labcorp
Classification: Uncertain significance for Treacher Collins syndrome 1. Last evaluated: 2022-10-25. Review status: criteria provided, single submitter. Criteria: Invitae Variant Classification Sherloc (09022015). Collection method: clinical testing. Allele origin: germline.
Comment: This sequence change replaces serine, which is neutral and polar, with cysteine, which is neutral and slightly polar, at codon 328 of the TCOF1 protein (p.Ser328Cys). This variant is present in population databases (no rsID available, gnomAD 0.001%). This variant has not been reported in the literature in individuals affected with TCOF1-related conditions. ClinVar contains an entry for this variant (Variation ID: 1508835). Advanced modeling of protein sequence and biophysical properties (such as structural, functional, and spatial information, amino acid conservation, physicochemical variation, residue mobility, and thermodynamic stability) performed at Invitae indicates that this missense variant is not expected to disrupt TCOF1 protein function. In summary, the available evidence is currently insufficient to determine the role of this variant in disease. Therefore, it has been classified as a Variant of Uncertain Significance.

Blueprint Genetics
Classification: Uncertain significance. Last evaluated: 2017-06-12. Review status: criteria provided, single submitter. Criteria: ACMG Guidelines, 2015. Collection method: clinical testing. Allele origin: germline.

NM_001371623.1(TCOF1):c.983C>G (p.Ser328Cys)

Gene: TCOF1 (treacle ribosome biogenesis factor 1; plus strand). Cytogenetic location: 5q32.
Variant type: single nucleotide variant.
Coding change: c.983C>G on transcript NM_001371623.1 (MANE Select); coding-DNA position 983, C replaced by G.
Protein change: p.Ser328Cys; replaces serine 328 with cysteine.
Molecular consequence: missense variant.
Genome position (GRCh38, 1-based): chr5:150,374,286, C>G. VCF-style: chr5-150374286-C-G. GRCh37 (hg19) VCF-style: chr5-149753849-C-G.
Other names: c.752C>G, p.Ser251Cys (NM_000356.4, NM_001135245.2); c.983C>G, p.Ser328Cys (NM_001008657.3, NM_001135243.2, NM_001135244.2 and 1 more transcripts); short protein forms S251C, S328C.
Identifiers: ClinVar variation 1508835 (VCV001508835.7), dbSNP rs1467499141, ClinGen allele CA361742517.